The following is an entry in ClinVar:

ClinVar aggregate classification (germline): Likely benign (0 of 4 stars; one submission).

Conditions:
ABCA4-related disorder. Also called: ABCA4-related condition; ABCA4-related disorders. Identifiers: MedGen CN239167.

gnomAD v4.1: 12 of 152,212 alleles (0.0079%); highest among the groups gnomAD compares: South Asian, 0.021%; no homozygotes.

Submission:

PreventionGenetics, part of Exact Sciences
Classification: Likely benign for ABCA4-related condition. Last evaluated: 2024-09-16. Review status: no assertion criteria provided. Collection method: clinical testing. Allele origin: germline.
Comment: This variant is classified as likely benign based on ACMG/AMP sequence variant interpretation guidelines (Richards et al. 2015 PMID: 25741868, with internal and published modifications).

NM_000350.3(ABCA4):c.4540-2038C>G

Gene: ABCA4 (ATP binding cassette subfamily A member 4; minus strand). Cytogenetic location: 1p22.1.
Variant type: single nucleotide variant.
Coding change: c.4540-2038C>G on transcript NM_000350.3 (MANE Select); 2038 bases into the intron before coding-DNA position 4540, C replaced by G.
Molecular consequence: intron variant.
Genome position (GRCh38, 1-based): chr1:94,027,086, G>C on the plus strand (C>G on the coding strand, the complement: ABCA4 is on the minus strand). VCF-style: chr1-94027086-G-C. GRCh37 (hg19) VCF-style: chr1-94492642-G-C.
Other names: c.4318-2038C>G (NM_001425324.1).
Identifiers: ClinVar variation 3358545 (VCV003358545.1).